The following is an entry in ClinVar:

ClinVar aggregate classification (germline): Uncertain significance (1 of 4 stars; one submission).

Conditions:
Deficiency of galactokinase. Also called: Galactokinase deficiency with cataracts; GALACTOSEMIA II. Identifiers: Orphanet 352, Orphanet 79237, MedGen C0268155, MONDO:0009255, OMIM 230200.

Submission:

Myriad Genetics, Inc.
Classification: Uncertain significance for Deficiency of galactokinase. Last evaluated: 2026-03-30. Review status: criteria provided, single submitter. Criteria: Myriad Autosomal Dominant, Autosomal Recessive and X-Linked Classification Criteria (2023). Collection method: clinical testing. Allele origin: unknown.
Comment: NM_000154.1(GALK1):c.136G>A(D46N) is a missense variant classified as a variant of uncertain significance in the context of galactokinase deficiency. D46N has been observed in a case with relevant disease (PMID: 32807972). Relevant functional assessments of this variant are not available in the literature. D46N has been observed in referenced population frequency databases. In summary, there is insufficient evidence to classify NM_000154.1(GALK1):c.136G>A(D46N) as pathogenic or benign. Please note: this variant was assessed in the context of healthy population screening.

Literature cited by the submitters: PubMed 32807972.

NM_000154.2(GALK1):c.136G>A (p.Asp46Asn)

Gene: GALK1 (galactokinase 1; minus strand). Cytogenetic location: 17q25.1.
Variant type: single nucleotide variant.
Coding change: c.136G>A on transcript NM_000154.2 (MANE Select); coding-DNA position 136, G replaced by A.
Protein change: p.Asp46Asn; replaces aspartic acid 46 with asparagine.
Molecular consequence: missense variant.
Genome position (GRCh38, 1-based): chr17:75,765,001, C>T on the plus strand (G>A on the coding strand, the complement: GALK1 is on the minus strand). VCF-style: chr17-75765001-C-T. GRCh37 (hg19) VCF-style: chr17-73761082-C-T.
Other names: c.136G>A, p.Asp46Asn (NM_001381985.1); short protein forms D46N.
Identifiers: ClinVar variation 5003605 (VCV005003605.1).